The following is an entry in ClinVar:

ClinVar aggregate classification (germline): Uncertain significance. Review status: criteria provided, single submitter (1 of 4 stars). 2 submissions from 2 submitters: Uncertain significance (1). 1 of the submissions does not count toward it. Last evaluated 2022-07-06.

Conditions:
Immunodeficiency 87 and autoimmunity. Identifiers: MedGen C5562070, MONDO:0030457, OMIM 619573.

Allele frequency attached by ClinVar (database versions not stated): TOPMed 0.00001; gnomAD exomes 0.00009 and 0.00027; ExAC 0.00048; 1000 Genomes Project 30x 0.00078; 1000 Genomes Project 0.00100.
gnomAD v4.1: 148 of 1,578,344 alleles (0.0094%); highest among the groups gnomAD compares: South Asian, 0.16%; 1 homozygote.

Submissions (2):

Labcorp Genetics (formerly Invitae), Labcorp
Classification: Uncertain significance. Last evaluated: 2022-07-06. Review status: criteria provided, single submitter. Criteria: Invitae Variant Classification Sherloc (09022015). Collection method: clinical testing. Allele origin: germline.
Comment: This sequence change replaces glutamic acid, which is acidic and polar, with lysine, which is basic and polar, at codon 331 of the DEF6 protein (p.Glu331Lys). This variant is present in population databases (rs541285645, gnomAD 0.2%). This missense change has been observed in individual(s) with DEF6 deficiency (PMID: 31308374). It has also been observed to segregate with disease in related individuals. ClinVar contains an entry for this variant (Variation ID: 1300254). Algorithms developed to predict the effect of missense changes on protein structure and function (SIFT, PolyPhen-2, Align-GVGD) all suggest that this variant is likely to be tolerated. Experimental studies have shown that this missense change affects DEF6 function (PMID: 31308374). In summary, the available evidence is currently insufficient to determine the role of this variant in disease. Therefore, it has been classified as a Variant of Uncertain Significance.

OMIM
Classification: Pathogenic for IMMUNODEFICIENCY 87 AND AUTOIMMUNITY. Last evaluated: 2021-10-21. Review status: no assertion criteria provided. Collection method: literature only. Allele origin: germline. Not counted in ClinVar's aggregate classification.

Literature cited by the submitters: PubMed 31308374 (cited by Labcorp Genetics (formerly Invitae), Labcorp and OMIM).

NM_022047.4(DEF6):c.991G>A (p.Glu331Lys)

Gene: DEF6 (DEF6 guanine nucleotide exchange factor; plus strand). Cytogenetic location: 6p21.31.
Variant type: single nucleotide variant.
Coding change: c.991G>A on transcript NM_022047.4 (MANE Select); coding-DNA position 991, G replaced by A.
Protein change: p.Glu331Lys; replaces glutamic acid 331 with lysine.
Molecular consequence: missense variant.
Genome position (GRCh38, 1-based): chr6:35,318,247, G>A. VCF-style: chr6-35318247-G-A. GRCh37 (hg19) VCF-style: chr6-35286024-G-A.
Other names: DEF6, GLU331LYS (rs541285645); E331K.
Identifiers: ClinVar variation 1300254 (VCV001300254.5), dbSNP rs541285645, ClinGen allele CA3770864.
Genomic context (GRCh38, chr6:35,318,247, plus strand): 5'-ATCCGGCTGCAGGCCGAGGGGAAGACGTCCCTACACAAGGACCTGAAGCAGAAACGGCGC[G>A]AGCAGCGGGAGCAGCGGGAGCGGCGCCGGGCGGCCAAGGAAGAGGAGCTGCTGCGGCTGC-3'
Protein context (NP_071330.3, residues 321-341): LHKDLKQKRR[Glu331Lys]QREQRERRRA